The following is an entry in ClinVar:

ClinVar aggregate classification (germline): Uncertain significance (1 of 4 stars; one submission).

Submission:

Labcorp Genetics (formerly Invitae), Labcorp
Classification: Uncertain significance. Last evaluated: 2023-12-28. Review status: criteria provided, single submitter. Criteria: Invitae Variant Classification Sherloc (09022015). Collection method: clinical testing. Allele origin: germline.
Comment: This sequence change replaces isoleucine, which is neutral and non-polar, with threonine, which is neutral and polar, at codon 681 of the SIN3A protein (p.Ile681Thr). This variant is not present in population databases (gnomAD no frequency). This variant has not been reported in the literature in individuals affected with SIN3A-related conditions. Advanced modeling of protein sequence and biophysical properties (such as structural, functional, and spatial information, amino acid conservation, physicochemical variation, residue mobility, and thermodynamic stability) has been performed at Invitae for this missense variant, however the output from this modeling did not meet the statistical confidence thresholds required to predict the impact of this variant on SIN3A protein function. In summary, the available evidence is currently insufficient to determine the role of this variant in disease. Therefore, it has been classified as a Variant of Uncertain Significance.

NM_001145358.2(SIN3A):c.2042T>C (p.Ile681Thr)

Gene: SIN3A (SIN3 transcription regulator family member A; minus strand). Cytogenetic location: 15q24.2.
Variant type: single nucleotide variant.
Coding change: c.2042T>C on transcript NM_001145358.2 (MANE Select); coding-DNA position 2042, T replaced by C.
Protein change: p.Ile681Thr; replaces isoleucine 681 with threonine.
Molecular consequence: missense variant.
Genome position (GRCh38, 1-based): chr15:75,396,309, A>G on the plus strand (T>C on the coding strand, the complement: SIN3A is on the minus strand). VCF-style: chr15-75396309-A-G. GRCh37 (hg19) VCF-style: chr15-75688650-A-G.
Other names: c.2042T>C, p.Ile681Thr (NM_001145357.2, NM_015477.3); short protein forms I681T.
Identifiers: ClinVar variation 2720889 (VCV002720889.3), dbSNP rs2542610589, ClinGen allele CA393495189.